The following is an entry in ClinVar:

ClinVar aggregate classification (germline): Conflicting classifications of pathogenicity. Review status: criteria provided, conflicting classifications (1 of 4 stars). 4 submissions from 4 submitters: Uncertain significance (1); Likely benign (3). Last evaluated 2026-04-07.

Conditions:
REEP1-related disorder. Also called: REEP1-related condition.
Inborn genetic diseases. Identifiers: MedGen C0950123, MeSH D030342.
Hereditary spastic paraplegia 31. Also called: SPASTIC PARAPLEGIA 31, AUTOSOMAL DOMINANT. Identifiers: Orphanet 101011, MedGen C1853247, MONDO:0012453, OMIM 610250.

Allele frequency attached by ClinVar (database versions not stated): gnomAD 0.00001; gnomAD exomes 0.00001; TOPMed 0.00001.
gnomAD v4.1: 17 of 1,613,942 alleles (0.0011%); highest among the groups gnomAD compares: Non-Finnish European, 0.0014%; no homozygotes.

Submissions (4):

PreventionGenetics, part of Exact Sciences
Classification: Likely benign for REEP1-related condition. Last evaluated: 2026-04-07. Review status: criteria provided, single submitter. Criteria: ACMG Guidelines, 2015. Collection method: clinical testing. Allele origin: germline.
Comment: This variant is classified as likely benign based on ACMG/AMP sequence variant interpretation guidelines (Richards et al. 2015 PMID: 25741868, with internal and published modifications).

Labcorp Genetics (formerly Invitae), Labcorp
Classification: Likely benign for Hereditary spastic paraplegia 31. Last evaluated: 2021-12-10. Review status: criteria provided, single submitter. Criteria: Invitae Variant Classification Sherloc (09022015). Collection method: clinical testing. Allele origin: germline.

Ambry Genetics
Classification: Likely benign for Inborn genetic diseases. Last evaluated: 2019-07-11. Review status: criteria provided, single submitter. Criteria: Ambry Variant Classification Scheme 2023. Collection method: clinical testing. Allele origin: germline.

Center for Pediatric Genomic Medicine, Children's Mercy Hospital and Clinics
Classification: Uncertain significance. Last evaluated: 2017-05-02. Review status: criteria provided, single submitter. Criteria: ACMG Guidelines, 2015. Collection method: clinical testing. Allele origin: germline.

NM_001371279.1(REEP1):c.198T>C (p.Tyr66=)

Gene: REEP1 (receptor accessory protein 1; minus strand). Cytogenetic location: 2p11.2.
Variant type: single nucleotide variant.
Coding change: c.198T>C on transcript NM_001371279.1 (MANE Select); coding-DNA position 198, T replaced by C.
Protein change: p.Tyr66=; no amino-acid change (tyrosine 66 retained).
Molecular consequence: synonymous variant. On other transcripts: intron variant (1).
Genome position (GRCh38, 1-based): chr2:86,254,799, A>G on the plus strand (T>C on the coding strand, the complement: REEP1 is on the minus strand). VCF-style: chr2-86254799-A-G. GRCh37 (hg19) VCF-style: chr2-86481922-A-G.
Other names: c.219T>C, p.Tyr73= (NM_001164730.2); c.117T>C, p.Tyr39= (NM_001164731.2); c.198T>C, p.Tyr66= (NM_001371280.1, NM_022912.3); c.182+9166T>C (NM_001164732.2).
Identifiers: ClinVar variation 445314 (VCV000445314.12), dbSNP rs1444613668, ClinGen allele CA427281256.